The following is an entry in ClinVar:

ClinVar aggregate classification (germline): Uncertain significance (0 of 4 stars; one submission).

Conditions:
ALPK3-related disorder. Also called: ALPK3-related condition.

gnomAD v4.1: 1 of 1,570,224 alleles (0.000064%); no homozygotes.

Submission:

PreventionGenetics, part of Exact Sciences
Classification: Uncertain significance for ALPK3-related condition. Last evaluated: 2024-08-28. Review status: no assertion criteria provided. Collection method: clinical testing. Allele origin: germline.
Comment: The ALPK3 c.3914T>A variant is predicted to result in the amino acid substitution p.Leu1305Gln. To our knowledge, this variant has not been reported in the literature or in a large population database, indicating this variant is rare. At this time, the clinical significance of this variant is uncertain due to the absence of conclusive functional and genetic evidence.

NM_020778.5(ALPK3):c.3308T>A (p.Leu1103Gln)

Gene: ALPK3 (alpha kinase 3; plus strand). Cytogenetic location: 15q25.3.
Variant type: single nucleotide variant.
Coding change: c.3308T>A on transcript NM_020778.5 (MANE Select); coding-DNA position 3308, T replaced by A.
Protein change: p.Leu1103Gln; replaces leucine 1103 with glutamine.
Molecular consequence: missense variant.
Genome position (GRCh38, 1-based): chr15:84,858,046, T>A. VCF-style: chr15-84858046-T-A. GRCh37 (hg19) VCF-style: chr15-85401277-T-A.
Other names: short protein forms L1103Q.
Identifiers: ClinVar variation 3347808 (VCV003347808.1).